The following is an entry in ClinVar:

ClinVar aggregate classification (germline): Uncertain significance. Review status: criteria provided, multiple submitters, no conflicts (2 of 4 stars). 2 submissions from 2 submitters: Uncertain significance (2). Last evaluated 2025-04-24.

Conditions:
Inborn genetic diseases. Identifiers: MedGen C0950123, MeSH D030342.

Allele frequency attached by ClinVar (database versions not stated): gnomAD exomes below 0.00001.
gnomAD v4.1: 1 of 1,614,182 alleles (0.000062%); highest among the groups gnomAD compares: Admixed American, 0.0017%; no homozygotes.

Submissions (2):

Ambry Genetics
Classification: Uncertain significance for Inborn genetic diseases. Last evaluated: 2025-04-24. Review status: criteria provided, single submitter. Criteria: Ambry Variant Classification Scheme 2023. Collection method: clinical testing. Allele origin: germline.

Labcorp Genetics (formerly Invitae), Labcorp
Classification: Uncertain significance. Last evaluated: 2024-07-22. Review status: criteria provided, single submitter. Criteria: Invitae Variant Classification Sherloc (09022015). Collection method: clinical testing. Allele origin: germline.
Comment: This sequence change replaces serine, which is neutral and polar, with glycine, which is neutral and non-polar, at codon 97 of the AP2M1 protein (p.Ser97Gly). This variant is not present in population databases (gnomAD no frequency). This variant has not been reported in the literature in individuals affected with AP2M1-related conditions. ClinVar contains an entry for this variant (Variation ID: 1963543). An algorithm developed to predict the effect of missense changes on protein structure and function (PolyPhen-2) suggests that this variant is likely to be tolerated. In summary, the available evidence is currently insufficient to determine the role of this variant in disease. Therefore, it has been classified as a Variant of Uncertain Significance.

NM_004068.4(AP2M1):c.289A>G (p.Ser97Gly)

Gene: AP2M1 (adaptor related protein complex 2 subunit mu 1; plus strand). Cytogenetic location: 3q27.1.
Variant type: single nucleotide variant.
Coding change: c.289A>G on transcript NM_004068.4 (MANE Select); coding-DNA position 289, A replaced by G.
Protein change: p.Ser97Gly; replaces serine 97 with glycine.
Molecular consequence: missense variant.
Genome position (GRCh38, 1-based): chr3:184,179,071, A>G. VCF-style: chr3-184179071-A-G. GRCh37 (hg19) VCF-style: chr3-183896859-A-G.
Other names: c.289A>G, p.Ser97Gly (NM_001025205.2); c.364A>G, p.Ser122Gly (NM_001311198.2); c.289A>G (NM_004068.3); short protein forms S122G, S97G.
Identifiers: ClinVar variation 1963543 (VCV001963543.6), dbSNP rs2473719654, ClinGen allele CA355421084.